The following is an entry in ClinVar:

ClinVar aggregate classification (germline): Likely pathogenic (1 of 4 stars; one submission).

Conditions:
Cenani-Lenz syndactyly syndrome. Also called: SYNDACTYLY, TYPE VII; CENANI SYNDACTYLISM. Identifiers: Orphanet 3258, MedGen C1859309, MONDO:0008931, OMIM 212780.

Submission:

Institute of Human Genetics, University of Goettingen
Classification: Likely pathogenic for Cenani-Lenz syndactyly syndrome. Review status: criteria provided, single submitter. Criteria: ACMG Guidelines, 2015. Collection method: clinical testing. Allele origin: maternal. Inheritance: Autosomal recessive inheritance. Affected: no. Observed: 1 heterozygote.
Comment: ACMG criteria PVS1, PM2, PP3, likely LOF allele, relevance for the hypodontia phenotype of the individual unclear

Literature cited by the submitters: PubMed 20381006.

NM_002334.4(LRP4):c.2814+1G>A

Gene: LRP4 (LDL receptor related protein 4; minus strand). Cytogenetic location: 11p11.2.
Variant type: single nucleotide variant.
Coding change: c.2814+1G>A on transcript NM_002334.4 (MANE Select); the canonical splice donor site of the intron after coding-DNA position 2814, G replaced by A.
Molecular consequence: splice donor variant.
Genome position (GRCh38, 1-based): chr11:46,881,701, C>T on the plus strand (G>A on the coding strand, the complement: LRP4 is on the minus strand). VCF-style: chr11-46881701-C-T. GRCh37 (hg19) VCF-style: chr11-46903252-C-T.
Identifiers: ClinVar variation 2687873 (VCV002687873.2), dbSNP rs2539741932, ClinGen allele CA380278418.